The following is an entry in ClinVar:

ClinVar aggregate classification (germline): Uncertain significance. Review status: criteria provided, multiple submitters, no conflicts (2 of 4 stars). 2 submissions from 2 submitters: Uncertain significance (2). Last evaluated 2025-05-31.

Conditions:
Baller-Gerold syndrome (BGS). Also called: CRANIOSYNOSTOSIS WITH RADIAL DEFECTS. Identifiers: Orphanet 1225, MedGen C0265308, MONDO:0009039, OMIM 218600.
Inborn genetic diseases. Identifiers: MedGen C0950123, MeSH D030342.

Submissions (2):

Ambry Genetics
Classification: Uncertain significance for Inborn genetic diseases. Last evaluated: 2025-05-31. Review status: criteria provided, single submitter. Criteria: Ambry Variant Classification Scheme 2023. Collection method: clinical testing. Allele origin: germline.
Comment: The p.V443G variant (also known as c.1328T>G), located in coding exon 7 of the RECQL4 gene, results from a T to G substitution at nucleotide position 1328. The valine at codon 443 is replaced by glycine, an amino acid with dissimilar properties. This amino acid position is conserved. In addition, this alteration is predicted to be tolerated by in silico analysis. Based on the available evidence, the clinical significance of this variant remains unclear.

Labcorp Genetics (formerly Invitae), Labcorp
Classification: Uncertain significance for Baller-Gerold syndrome. Last evaluated: 2017-12-28. Review status: criteria provided, single submitter. Criteria: Invitae Variant Classification Sherloc (09022015). Collection method: clinical testing. Allele origin: germline.
Comment: In summary, the available evidence is currently insufficient to determine the role of this variant in disease. Therefore, it has been classified as a Variant of Uncertain Significance. Algorithms developed to predict the effect of missense changes on protein structure and function (SIFT, Align-GVGD) suggest that this variant is likely to be tolerated, but these predictions have not been confirmed by published functional studies and their clinical significance is uncertain. This variant has not been reported in the literature in individuals with RECQL4-related disease. This variant is not present in population databases (ExAC no frequency). This sequence change replaces valine with glycine at codon 443 of the RECQL4 protein (p.Val443Gly). The valine residue is weakly conserved and there is a moderate physicochemical difference between valine and glycine.

NM_004260.4(RECQL4):c.1328T>G (p.Val443Gly)

Gene: RECQL4 (RecQ like helicase 4; minus strand). Cytogenetic location: 8q24.3.
Variant type: single nucleotide variant.
Coding change: c.1328T>G on transcript NM_004260.4 (MANE Select); coding-DNA position 1328, T replaced by G.
Protein change: p.Val443Gly; replaces valine 443 with glycine.
Molecular consequence: missense variant.
Genome position (GRCh38, 1-based): chr8:144,515,388, A>C on the plus strand (T>G on the coding strand, the complement: RECQL4 is on the minus strand). VCF-style: chr8-144515388-A-C. GRCh37 (hg19) VCF-style: chr8-145740772-A-C.
Other names: short protein forms V443G.
Identifiers: ClinVar variation 528981 (VCV000528981.5), dbSNP rs1554901232, ClinGen allele CA372685636.
Genomic context (GRCh38, chr8:144,515,388, plus strand): 5'-GCCAACTGCCCTGAGGGCCCCAGGGAGTAGAGTGGCAGCACGGTGGGGTCCAGGCTGGGC[A>C]CCTCAGGTACAGGTTGTGGTGAAGGAACCAGTGGCTCAGGCCCAACAGCATCTGTGTCTT-3'
Protein context (NP_004251.4, residues 433-453): LVPSPQPVPE[Val443Gly]PSLDPTVLPL